The following is an entry in ClinVar:

NM_000140.5(FECH):c.490C>T (p.Arg164Trp)

Gene: FECH (ferrochelatase; minus strand). Cytogenetic location: 18q21.31.
Variant type: single nucleotide variant.
Coding change: c.490C>T on transcript NM_000140.5 (MANE Select); coding-DNA position 490, C replaced by T.
Protein change: p.Arg164Trp; replaces arginine 164 with tryptophan.
Molecular consequence: missense variant.
Genome position (GRCh38, 1-based): chr18:57,566,555, G>A on the plus strand (C>T on the coding strand, the complement: FECH is on the minus strand). VCF-style: chr18-57566555-G-A. GRCh37 (hg19) VCF-style: chr18-55233787-G-A.
Other names: c.508C>T, p.Arg170Trp (NM_001012515.4); c.490C>T, p.Arg164Trp (NM_001371094.1, NM_001374778.1); c.274C>T, p.Arg92Trp (NM_001371095.1); short protein forms R164W, R92W, R170W.
Identifiers: ClinVar variation 2138161 (VCV002138161.3), dbSNP rs750467706, ClinGen allele CA8973181.

ClinVar aggregate classification (germline): Uncertain significance (1 of 4 stars; one submission).

Allele frequency attached by ClinVar (database versions not stated): TOPMed below 0.00001; ExAC 0.00001; gnomAD exomes 0.00001.
gnomAD v4.1: 15 of 1,614,134 alleles (0.00093%); highest among the groups gnomAD compares: South Asian, 0.0033%; no homozygotes.

Submission:

Labcorp Genetics (formerly Invitae), Labcorp
Classification: Uncertain significance. Last evaluated: 2024-09-10. Review status: criteria provided, single submitter. Criteria: Invitae Variant Classification Sherloc (09022015). Collection method: clinical testing. Allele origin: germline.
Comment: This sequence change replaces arginine, which is basic and polar, with tryptophan, which is neutral and slightly polar, at codon 164 of the FECH protein (p.Arg164Trp). This variant is present in population databases (rs750467706, gnomAD 0.0009%). This missense change has been observed in individual(s) with erythropoietic protoporphyria (PMID: 20105171). ClinVar contains an entry for this variant (Variation ID: 2138161). Invitae Evidence Modeling of protein sequence and biophysical properties (such as structural, functional, and spatial information, amino acid conservation, physicochemical variation, residue mobility, and thermodynamic stability) indicates that this missense variant is expected to disrupt FECH protein function with a positive predictive value of 80%. In summary, the available evidence is currently insufficient to determine the role of this variant in disease. Therefore, it has been classified as a Variant of Uncertain Significance.

Literature cited by the submitters: PubMed 20105171.